The following is an entry in ClinVar:

ClinVar aggregate classification (germline): Conflicting classifications of pathogenicity. Review status: criteria provided, conflicting classifications (1 of 4 stars). 2 submissions from 2 submitters: Uncertain significance (1); Likely benign (1). Last evaluated 2025-10-07.

Conditions:
Hereditary cancer-predisposing syndrome. Also called: Neoplastic Syndromes, Hereditary; Tumor predisposition; Hereditary Cancer Syndrome; Hereditary neoplastic syndrome. Identifiers: Orphanet 140162, MedGen C0027672, MeSH D009386, MONDO:0015356.

Submissions (2):

Ambry Genetics
Classification: Likely benign for Hereditary cancer-predisposing syndrome. Last evaluated: 2025-10-07. Review status: criteria provided, single submitter. Criteria: Ambry Variant Classification Scheme 2023. Collection method: clinical testing. Allele origin: germline.

Color Diagnostics, LLC DBA Color Health
Classification: Uncertain significance for Hereditary cancer-predisposing syndrome. Last evaluated: 2023-12-05. Review status: criteria provided, single submitter. Criteria: ACMG Guidelines, 2015. Collection method: clinical testing. Allele origin: germline.
Comment: This missense variant replaces glutamic acid with glycine at codon 303 of the MUTYH protein. To our knowledge, functional studies have not been reported for this variant. This variant has not been reported in individuals affected with MUTYH-related disorders in the literature. This variant has not been identified in the general population by the Genome Aggregation Database (gnomAD). The available evidence is insufficient to determine the role of this variant in disease conclusively. Therefore, this variant is classified as a Variant of Uncertain Significance.

Literature cited by the submitters: PubMed 40738107 (cited by Ambry Genetics).

NM_001048174.2(MUTYH):c.822_824delinsTGG (p.Glu275Gly)

Gene: MUTYH (mutY DNA glycosylase; minus strand). Cytogenetic location: 1p34.1.
Variant type: Indel.
Coding change: c.822_824delinsTGG on transcript NM_001048174.2 (MANE Select); coding-DNA positions 822 to 824, GGA replaced by TGG.
Protein change: p.Glu275Gly; replaces glutamic acid 275 with glycine.
Molecular consequence: missense variant. On other transcripts: non-coding transcript variant (2).
Genome position (GRCh38, 1-based): chr1:45,332,191-45,332,193, TCC replaced by CCA on the plus strand (GGA replaced by TGG on the coding strand, the reverse complement: MUTYH is on the minus strand). VCF-style: chr1-45332191-TCC-CCA. GRCh37 (hg19) VCF-style: chr1-45797863-TCC-CCA.
Other names: c.822_824delinsTGG, p.Glu275Gly (NM_001048171.2, NM_001048173.2, NM_001293195.2); c.825_827delinsTGG, p.Glu276Gly (NM_001048172.2); c.906_908delinsTGG, p.Glu303Gly (NM_001128425.2); c.867_869delinsTGG, p.Glu290Gly (NM_001293190.2); c.855_857delinsTGG, p.Glu286Gly (NM_001293191.2); c.546_548delinsTGG, p.Glu183Gly (NM_001293192.2, NM_001293196.2); c.477_479delinsTGG, p.Glu160Gly (NM_001350650.2, NM_001350651.2); c.897_899delinsTGG, p.Glu300Gly (NM_012222.3); and 1 more; short protein forms E276G, E300G, E160G, E275G, E290G, E183G, E286G, E303G.
Identifiers: ClinVar variation 923365 (VCV000923365.5), dbSNP rs1645023044, ClinGen allele CA913187615.